The following is an entry in ClinVar:

ClinVar aggregate classification (germline): Uncertain significance (1 of 4 stars; one submission).

Conditions:
Inborn genetic diseases. Identifiers: MedGen C0950123, MeSH D030342.

Submission:

Ambry Genetics
Classification: Uncertain significance for Inborn genetic diseases. Last evaluated: 2025-11-23. Review status: criteria provided, single submitter. Criteria: Ambry Variant Classification Scheme 2023. Collection method: clinical testing. Allele origin: germline.
Comment: The p.T266K variant (also known as c.797C>A), located in coding exon 9 of the FANCA gene, results from a C to A substitution at nucleotide position 797. The threonine at codon 266 is replaced by lysine, an amino acid with similar properties. This amino acid position is conserved. In addition, this alteration is predicted to be tolerated by in silico analysis. Based on the available evidence, the clinical significance of this variant remains unclear.

NM_000135.4(FANCA):c.797C>A (p.Thr266Lys)

Gene: FANCA (FA complementation group A; minus strand). Cytogenetic location: 16q24.3.
Variant type: single nucleotide variant.
Coding change: c.797C>A on transcript NM_000135.4 (MANE Select); coding-DNA position 797, C replaced by A.
Protein change: p.Thr266Lys; replaces threonine 266 with lysine.
Molecular consequence: missense variant.
Genome position (GRCh38, 1-based): chr16:89,799,634, G>T on the plus strand (C>A on the coding strand, the complement: FANCA is on the minus strand). VCF-style: chr16-89799634-G-T. GRCh37 (hg19) VCF-style: chr16-89866042-G-T.
Other names: c.797C>A, p.Thr266Lys (NM_001018112.3, NM_001286167.3); c.701C>A, p.Thr234Lys (NM_001351830.2); short protein forms T266K, T234K.
Identifiers: ClinVar variation 4619286 (VCV004619286.1).